The following is an entry in ClinVar:

NM_033656.4(BRWD1):c.4402A>G (p.Ile1468Val)

Gene: BRWD1 (bromodomain and WD repeat domain containing 1; minus strand). Cytogenetic location: 21q22.2.
Variant type: single nucleotide variant.
Coding change: c.4402A>G on transcript NM_033656.4 (MANE Select); coding-DNA position 4402, A replaced by G.
Protein change: p.Ile1468Val; replaces isoleucine 1468 with valine.
Molecular consequence: missense variant.
Genome position (GRCh38, 1-based): chr21:39,202,508, T>C on the plus strand (A>G on the coding strand, the complement: BRWD1 is on the minus strand). VCF-style: chr21-39202508-T-C. GRCh37 (hg19) VCF-style: chr21-40574434-T-C.
Other names: NC_000021.8:g.40574434T>C; c.4402A>G, p.Ile1468Val (NM_018963.5); short protein forms I1468V.
Identifiers: ClinVar variation 3039171 (VCV003039171.3), dbSNP rs144295288, ClinGen allele CA10026695.

ClinVar aggregate classification (germline): Benign (0 of 4 stars; one submission).

Conditions:
BRWD1-related disorder. Also called: BRWD1-related condition.

Allele frequency attached by ClinVar (database versions not stated): 1000 Genomes Project 30x 0.00125; 1000 Genomes Project 0.00140; TOPMed 0.00304; gnomAD 0.00332; ESP Exome Variant Server 0.00400; ExAC 0.00414; gnomAD exomes 0.00459.
gnomAD v4.1: 7,115 of 1,613,260 alleles (0.44%); highest among the groups gnomAD compares: Non-Finnish European, 0.52%; 24 homozygotes.

Submissions (2):

PreventionGenetics, part of Exact Sciences
Classification: Benign for BRWD1-related condition. Last evaluated: 2019-05-21. Review status: no assertion criteria provided. Collection method: clinical testing. Allele origin: germline.
Comment: This variant is classified as benign based on ACMG/AMP sequence variant interpretation guidelines (Richards et al. 2015 PMID: 25741868, with internal and published modifications).

Dr. Peter K. Rogan Lab, Western University
No classification provided (evidence only). Condition: Colon adenocarcinoma. Review status: no classification provided. Collection method: in vitro. Allele origin: not applicable. Functional consequence: retained intron. Not counted in ClinVar's aggregate classification.